The following is an entry in ClinVar:

NM_000051.4(ATM):c.5951C>A (p.Thr1984Lys)

Genes: ATM (ATM serine/threonine kinase; plus strand), C11orf65 (chromosome 11 open reading frame 65; minus strand). Cytogenetic location: 11q22.3.
Variant type: single nucleotide variant.
Coding change: c.5951C>A on transcript NM_000051.4 (MANE Select); coding-DNA position 5951, C replaced by A.
Protein change: p.Thr1984Lys; replaces threonine 1984 with lysine.
Molecular consequence: missense variant. On other transcripts: intron variant (2).
Genome position (GRCh38, 1-based): chr11:108,312,443, C>A. VCF-style: chr11-108312443-C-A. GRCh37 (hg19) VCF-style: chr11-108183170-C-A.
Other names: c.5951C>A, p.Thr1984Lys (NM_001351834.2); c.641-3372G>T (NM_001330368.2); c.*39-3372G>T (NM_001351110.2); short protein forms T1984K.
Identifiers: ClinVar variation 826077 (VCV000826077.27), dbSNP rs770722380, ClinGen allele CA6265809.
Genomic context (GRCh38, chr11:108,312,443, plus strand): 5'-TTAAAAGAGGTGTTCTTGTGACAAACAGAAGTCTTGCATTTGAAGAAGGAAGCCAGAGTA[C>A]AACTATTTCTAGCTTGAGTGAAAAAAGTAAAGAAGAAACTGGAATAAGTTTACAGGTAAA-3'
Protein context (NP_000042.3, residues 1974-1994): SLAFEEGSQS[Thr1984Lys]TISSLSEKSK

ClinVar aggregate classification (germline): Uncertain significance. Review status: criteria provided, multiple submitters, no conflicts (2 of 4 stars). 4 submissions from 4 submitters: Uncertain significance (3). 1 of the submissions does not count toward it. Last evaluated 2023-12-05.

Conditions:
Hereditary cancer-predisposing syndrome. Also called: Tumor predisposition; Neoplastic Syndromes, Hereditary; Hereditary Cancer Syndrome; Hereditary neoplastic syndrome. Identifiers: Orphanet 140162, MedGen C0027672, MeSH D009386, MONDO:0015356.
Ataxia-telangiectasia syndrome (AT). Also called: ATAXIA-TELANGIECTASIA, COMPLEMENTATION GROUP A; ATAXIA-TELANGIECTASIA, FRESNO VARIANT; Ataxia-telangiectasia; Ataxia-telangiectasia, complementation group D; AT, COMPLEMENTATION GROUP C; Ataxia-telangiectasia, complementation group E. Identifiers: Orphanet 100, MedGen C0004135, MONDO:0008840, OMIM 208900.

Allele frequency attached by ClinVar (database versions not stated): TOPMed below 0.00001; ExAC 0.00001; gnomAD exomes 0.00001.

Submissions (4):

Color Diagnostics, LLC DBA Color Health
Classification: Uncertain significance for Hereditary cancer-predisposing syndrome. Last evaluated: 2023-12-05. Review status: criteria provided, single submitter. Criteria: ACMG Guidelines, 2015. Collection method: clinical testing. Allele origin: germline.
Comment: This missense variant replaces threonine with lysine at codon 1984 of the ATM protein. Computational prediction tools and conservation analyses are inconclusive regarding the impact of this variant on the protein function. Computational splicing tools suggest that this variant may not impact RNA splicing. To our knowledge, functional assays have not been performed for this variant nor has this variant been reported in individuals affected with hereditary cancer in the literature. This variant has been identified in 2/251184 chromosomes in the general population by the Genome Aggregation Database (gnomAD). Available evidence is insufficient to determine the role of this variant in disease conclusively. Therefore, this variant is classified as a Variant of Uncertain Significance.

Ambry Genetics
Classification: Uncertain significance for Hereditary cancer-predisposing syndrome. Last evaluated: 2023-03-31. Review status: criteria provided, single submitter. Criteria: Ambry Variant Classification Scheme 2023. Collection method: clinical testing. Allele origin: germline.
Comment: The p.T1984K variant (also known as c.5951C>A), located in coding exon 39 of the ATM gene, results from a C to A substitution at nucleotide position 5951. The threonine at codon 1984 is replaced by lysine, an amino acid with similar properties. This amino acid position is not well conserved in available vertebrate species. In addition, this alteration is predicted to be tolerated by in silico analysis. Since supporting evidence is limited at this time, the clinical significance of this alteration remains unclear.

Labcorp Genetics (formerly Invitae), Labcorp
Classification: Uncertain significance for Ataxia-telangiectasia syndrome. Last evaluated: 2022-04-21. Review status: criteria provided, single submitter. Criteria: Invitae Variant Classification Sherloc (09022015). Collection method: clinical testing. Allele origin: germline.
Comment: In summary, the available evidence is currently insufficient to determine the role of this variant in disease. Therefore, it has been classified as a Variant of Uncertain Significance. Algorithms developed to predict the effect of sequence changes on RNA splicing suggest that this variant may disrupt the consensus splice site. Advanced modeling of protein sequence and biophysical properties (such as structural, functional, and spatial information, amino acid conservation, physicochemical variation, residue mobility, and thermodynamic stability) performed at Invitae indicates that this missense variant is not expected to disrupt ATM protein function. ClinVar contains an entry for this variant (Variation ID: 826077). This variant has not been reported in the literature in individuals affected with ATM-related conditions. This variant is present in population databases (rs770722380, gnomAD 0.006%). This sequence change replaces threonine, which is neutral and polar, with lysine, which is basic and polar, at codon 1984 of the ATM protein (p.Thr1984Lys).

Natera, Inc.
Classification: Uncertain significance for Ataxia-telangiectasia. Last evaluated: 2021-04-20. Review status: no assertion criteria provided. Collection method: clinical testing. Allele origin: germline. Not counted in ClinVar's aggregate classification.